The following is an entry in ClinVar:

NM_004456.5(EZH2):c.158C>T (p.Thr53Met)

Gene: EZH2 (enhancer of zeste 2 polycomb repressive complex 2 subunit; minus strand). Cytogenetic location: 7q36.1.
Variant type: single nucleotide variant.
Coding change: c.158C>T on transcript NM_004456.5 (MANE Select); coding-DNA position 158, C replaced by T.
Protein change: p.Thr53Met; replaces threonine 53 with methionine.
Molecular consequence: missense variant.
Genome position (GRCh38, 1-based): chr7:148,846,558, G>A on the plus strand (C>T on the coding strand, the complement: EZH2 is on the minus strand). VCF-style: chr7-148846558-G-A. GRCh37 (hg19) VCF-style: chr7-148543650-G-A.
Other names: c.158C>T, p.Thr53Met (NM_001203247.2, NM_001203248.2, NM_001203249.2 and 1 more transcripts); short protein forms T53M.
Identifiers: ClinVar variation 451474 (VCV000451474.4), dbSNP rs768812143, ClinGen allele CA369708274.

ClinVar aggregate classification (germline): Conflicting classifications of pathogenicity. Review status: criteria provided, conflicting classifications (1 of 4 stars). 2 submissions from 2 submitters: Uncertain significance (1); Likely benign (1). Last evaluated 2024-09-16.

Conditions:
Weaver syndrome (WVS). Also called: Weaver Smith syndrome; Overgrowth syndrome with accelerated skeletal maturation, unusual facies, and camptodactyly. Identifiers: Orphanet 3447, MedGen C0265210, MONDO:0010193, OMIM 277590.

gnomAD v4.1: 21 of 1,612,960 alleles (0.0013%); highest among the groups gnomAD compares: Non-Finnish European, 0.0016%; no homozygotes.

Submissions (2):

Labcorp Genetics (formerly Invitae), Labcorp
Classification: Likely benign for Weaver syndrome. Last evaluated: 2024-09-16. Review status: criteria provided, single submitter. Criteria: Invitae Variant Classification Sherloc (09022015). Collection method: clinical testing. Allele origin: germline.

GeneDx
Classification: Uncertain significance. Last evaluated: 2017-08-18. Review status: criteria provided, single submitter. Criteria: GeneDx Variant Classification (06012015). Collection method: clinical testing. Allele origin: germline. Affected: yes.
Comment: The T53M variant in the EZH2 gene gene has not been reported previously as a pathogenic variant, nor as a benign variant, to our knowledge. This variant is not observed in large population cohorts (Lek et al., 2016; 1000 Genomes Consortium et al., 2015; Exome Variant Server). The T53M variant is a non-conservative amino acid substitution, which is likely to impact secondary protein structure as these residues differ in polarity, charge, size and/or other properties. This substitution occurs at a position that is conserved across species. In silico analysis is inconsistent in its predictions as to whether or not the variant is damaging to)] the protein structure/function. We interpret T53M as a variant of uncertain significance.